The following is an entry in ClinVar:

NM_004612.4(TGFBR1):c.324A>C (p.Lys108Asn)

Gene: TGFBR1 (transforming growth factor beta receptor 1; plus strand). Cytogenetic location: 9q22.33.
Variant type: single nucleotide variant.
Coding change: c.324A>C on transcript NM_004612.4 (MANE Select); coding-DNA position 324, A replaced by C.
Protein change: p.Lys108Asn; replaces lysine 108 with asparagine.
Molecular consequence: missense variant. On other transcripts: non-coding transcript variant (4), intron variant (3).
Genome position (GRCh38, 1-based): chr9:99,129,081, A>C. VCF-style: chr9-99129081-A-C. GRCh37 (hg19) VCF-style: chr9-101891363-A-C.
Other names: c.324A>C, p.Lys108Asn (NM_001130916.3, NM_001306210.2, NM_001407416.1 and 2 more transcripts); c.117A>C, p.Lys39Asn (NM_001407418.1, NM_001407419.1, NM_001407420.1 and 12 more transcripts); c.98-3428A>C (NM_001407436.1); c.98-8778A>C (NM_001407438.1); c.98-13455A>C (NM_001407437.1); short protein forms K108N, K39N.
Identifiers: ClinVar variation 3069710 (VCV003069710.1), dbSNP rs2490111405, ClinGen allele CA374226439.

ClinVar aggregate classification (germline): Uncertain significance (1 of 4 stars; one submission).

Conditions:
Loeys-Dietz syndrome (LDS). Identifiers: Orphanet 60030, MedGen C2697932, MONDO:0018954.

Submission:

All of Us Research Program, National Institutes of Health
Classification: Uncertain significance for Loeys-Dietz syndrome. Last evaluated: 2023-02-24. Review status: criteria provided, single submitter. Criteria: ACMG Guidelines, 2015. Collection method: clinical testing. Allele origin: germline. Inheritance: Autosomal dominant inheritance. Observed: 1 variant allele, 1 heterozygote.
Comment: This missense variant replaces lysine with asparagine at codon 108 of the TGFBR1 protein. Computational prediction suggests that this variant may not impact protein structure and function (internally defined REVEL score threshold <= 0.5, PMID: 27666373). To our knowledge, functional studies have not been reported for this variant. This variant has not been reported in individuals affected with TGFBR1-related disorders in the literature. This variant has not been identified in the general population by the Genome Aggregation Database (gnomAD). The available evidence is insufficient to determine the role of this variant in disease conclusively. Therefore, this variant is classified as a Variant of Uncertain Significance.

This study involves interpretation of variants in research participants for the purpose of population health screening. Participant phenotype was not available at the time of variant classification. Additional details can be found in publication PMID: 35346344, PMCID: PMC8962531